The following is an entry in ClinVar:

NM_018474.6(KIZ):c.997A>C (p.Asn333His)

Gene: KIZ (kizuna centrosomal protein; plus strand). Cytogenetic location: 20p11.23.
Variant type: single nucleotide variant.
Coding change: c.997A>C on transcript NM_018474.6 (MANE Select); coding-DNA position 997, A replaced by C.
Protein change: p.Asn333His; replaces asparagine 333 with histidine.
Molecular consequence: missense variant.
Genome position (GRCh38, 1-based): chr20:21,162,462, A>C. VCF-style: chr20-21162462-A-C. GRCh37 (hg19) VCF-style: chr20-21143103-A-C.
Other names: c.688A>C, p.Asn230His (NM_001163022.3, NM_001352435.2); c.598A>C, p.Asn200His (NM_001163023.3); c.850A>C, p.Asn284His (NM_001276389.2); c.997A>C, p.Asn333His (NM_001352434.2); c.655A>C, p.Asn219His (NM_001352436.2); short protein forms N200H, N219H, N230H, N284H, N333H.
Identifiers: ClinVar variation 968533 (VCV000968533.9), dbSNP rs183136126, ClinGen allele CA9784750.
Genomic context (GRCh38, chr20:21,162,462, plus strand): 5'-GAAAAAAGAGCCAGCCCGCCAGTCTCTCCGATACCAGTTTCAGAATACTGTGAATCTGAA[A>C]ATAAGTGGTCTCAAGAGAAGCATTCTCCTTGGGAAGGTGTTTCAGGTGGGATGAGAGGCT-3'
Protein context (NP_060944.3, residues 323-343): IPVSEYCESE[Asn333His]KWSQEKHSPW

ClinVar aggregate classification (germline): Conflicting classifications of pathogenicity. Review status: criteria provided, conflicting classifications (1 of 4 stars). 3 submissions from 3 submitters: Uncertain significance (2); Likely benign (1). Last evaluated 2024-12-10.

Allele frequency attached by ClinVar (database versions not stated): gnomAD exomes 0.00006; ExAC 0.00010; TOPMed 0.00030; 1000 Genomes Project 30x 0.00031; gnomAD 0.00032 and 0.00034; ESP Exome Variant Server 0.00034; 1000 Genomes Project 0.00040.
gnomAD v4.1: 88 of 1,613,632 alleles (0.0055%); highest among the groups gnomAD compares: African/African-American, 0.11%; no homozygotes.

Submissions (3):

Ambry Genetics
Classification: Uncertain significance. Last evaluated: 2024-12-10. Review status: criteria provided, single submitter. Criteria: Ambry Variant Classification Scheme 2023. Collection method: clinical testing. Allele origin: germline.

Blueprint Genetics
Classification: Likely benign. Last evaluated: 2024-09-02. Review status: criteria provided, single submitter. Criteria: ACMG Guidelines, 2015. Collection method: clinical testing. Allele origin: germline.

Labcorp Genetics (formerly Invitae), Labcorp
Classification: Uncertain significance. Last evaluated: 2024-01-19. Review status: criteria provided, single submitter. Criteria: Invitae Variant Classification Sherloc (09022015). Collection method: clinical testing. Allele origin: germline.
Comment: This sequence change replaces asparagine, which is neutral and polar, with histidine, which is basic and polar, at codon 333 of the KIZ protein (p.Asn333His). This variant is present in population databases (rs183136126, gnomAD 0.1%). This variant has not been reported in the literature in individuals affected with KIZ-related conditions. ClinVar contains an entry for this variant (Variation ID: 968533). Experimental studies and prediction algorithms are not available or were not evaluated, and the functional significance of this variant is currently unknown. In summary, the available evidence is currently insufficient to determine the role of this variant in disease. Therefore, it has been classified as a Variant of Uncertain Significance.